The following is an entry in ClinVar:

NM_006859.4(LIAS):c.275A>C (p.Lys92Thr)

Gene: LIAS (lipoic acid synthetase; plus strand). Cytogenetic location: 4p14.
Variant type: single nucleotide variant.
Coding change: c.275A>C on transcript NM_006859.4 (MANE Select); coding-DNA position 275, A replaced by C.
Protein change: p.Lys92Thr; replaces lysine 92 with threonine.
Molecular consequence: missense variant. On other transcripts: intron variant (2).
Genome position (GRCh38, 1-based): chr4:39,462,252, A>C. VCF-style: chr4-39462252-A-C. GRCh37 (hg19) VCF-style: chr4-39463872-A-C.
Other names: c.275A>C, p.Lys92Thr (NM_001278590.2, NM_001278591.2, NM_194451.3); c.219-1273A>C (NM_001363700.2, NM_001278592.2); short protein forms K92T.
Identifiers: ClinVar variation 2130933 (VCV002130933.4), dbSNP rs765478919, ClinGen allele CA2894625.

ClinVar aggregate classification (germline): Uncertain significance (1 of 4 stars; one submission).

Conditions:
Lipoic acid synthetase deficiency. Also called: HYPERGLYCINEMIA, LACTIC ACIDOSIS, AND SEIZURES. Identifiers: Orphanet 401859, MedGen C3280887, MONDO:0013762, OMIM 614462.

Allele frequency attached by ClinVar (database versions not stated): gnomAD exomes below 0.00001; ExAC 0.00001; gnomAD 0.00001.

Submission:

Labcorp Genetics (formerly Invitae), Labcorp
Classification: Uncertain significance for Lipoic acid synthetase deficiency. Last evaluated: 2024-05-15. Review status: criteria provided, single submitter. Criteria: Invitae Variant Classification Sherloc (09022015). Collection method: clinical testing. Allele origin: germline.
Comment: This sequence change replaces lysine, which is basic and polar, with threonine, which is neutral and polar, at codon 92 of the LIAS protein (p.Lys92Thr). This variant is present in population databases (rs765478919, gnomAD 0.004%). This variant has not been reported in the literature in individuals affected with LIAS-related conditions. ClinVar contains an entry for this variant (Variation ID: 2130933). Advanced modeling of protein sequence and biophysical properties (such as structural, functional, and spatial information, amino acid conservation, physicochemical variation, residue mobility, and thermodynamic stability) performed at Invitae indicates that this missense variant is not expected to disrupt LIAS protein function with a negative predictive value of 80%. In summary, the available evidence is currently insufficient to determine the role of this variant in disease. Therefore, it has been classified as a Variant of Uncertain Significance.